The following is an entry in ClinVar:

ClinVar aggregate classification (germline): Uncertain significance (1 of 4 stars; one submission).

Conditions:
Inborn genetic diseases. Identifiers: MedGen C0950123, MeSH D030342.

gnomAD v4.1: 1 of 1,614,146 alleles (0.000062%); highest among the groups gnomAD compares: Non-Finnish European, 0.000085%; no homozygotes.

Submission:

Ambry Genetics
Classification: Uncertain significance for Inborn genetic diseases. Last evaluated: 2025-11-19. Review status: criteria provided, single submitter. Criteria: Ambry Variant Classification Scheme 2023. Collection method: clinical testing. Allele origin: germline.
Comment: The c.1420G>A (p.V474M) alteration is located in exon 13 (coding exon 12) of the ABCB4 gene. This alteration results from a G to A substitution at nucleotide position 1420, causing the valine (V) at amino acid position 474 to be replaced by a methionine (M). Based on data from gnomAD, the A allele has an overall frequency of <0.001% (1/251282) total alleles studied. The highest observed frequency was 0.001% (1/113618) of European (non-Finnish) alleles. Based on insufficient or conflicting evidence, the clinical significance of this alteration remains unclear.

NM_000443.4(ABCB4):c.1420G>A (p.Val474Met)

Gene: ABCB4 (ATP binding cassette subfamily B member 4; minus strand). Cytogenetic location: 7q21.12.
Variant type: single nucleotide variant.
Coding change: c.1420G>A on transcript NM_000443.4 (MANE Select); coding-DNA position 1420, G replaced by A.
Protein change: p.Val474Met; replaces valine 474 with methionine.
Molecular consequence: missense variant.
Genome position (GRCh38, 1-based): chr7:87,440,339, C>T on the plus strand (G>A on the coding strand, the complement: ABCB4 is on the minus strand). VCF-style: chr7-87440339-C-T. GRCh37 (hg19) VCF-style: chr7-87069655-C-T.
Other names: c.1420G>A, p.Val474Met (NM_018849.3, NM_018850.3); short protein forms V474M.
Identifiers: ClinVar variation 4563686 (VCV004563686.1).